The following is an entry in ClinVar:

ClinVar aggregate classification (germline): Uncertain significance (1 of 4 stars; one submission).

Conditions:
Inborn genetic diseases. Identifiers: MedGen C0950123, MeSH D030342.

Submission:

Ambry Genetics
Classification: Uncertain significance for Inborn genetic diseases. Last evaluated: 2025-02-09. Review status: criteria provided, single submitter. Criteria: Ambry Variant Classification Scheme 2023. Collection method: clinical testing. Allele origin: germline.
Comment: The p.D894V variant (also known as c.2681A>T), located in coding exon 28 of the RTEL1 gene, results from an A to T substitution at nucleotide position 2681. The aspartic acid at codon 894 is replaced by valine, an amino acid with highly dissimilar properties. This amino acid position is conserved. In addition, this alteration is predicted to be tolerated by in silico analysis. Based on the available evidence, the clinical significance of this variant remains unclear.

NM_001283009.2(RTEL1):c.2681A>T (p.Asp894Val)

Genes: RTEL1 (regulator of telomere elongation helicase 1; plus strand), RTEL1-TNFRSF6B (RTEL1-TNFRSF6B readthrough (NMD candidate); plus strand). Cytogenetic location: 20q13.33.
Variant type: single nucleotide variant.
Coding change: c.2681A>T on transcript NM_001283009.2 (MANE Select); coding-DNA position 2681, A replaced by T.
Protein change: p.Asp894Val; replaces aspartic acid 894 with valine.
Molecular consequence: missense variant. On other transcripts: non-coding transcript variant (1).
Genome position (GRCh38, 1-based): chr20:63,692,833, A>T. VCF-style: chr20-63692833-A-T. GRCh37 (hg19) VCF-style: chr20-62324186-A-T.
Other names: c.2012A>T, p.Asp671Val (NM_001283010.1); c.2681A>T, p.Asp894Val (NM_016434.4); c.2753A>T, p.Asp918Val (NM_032957.5); short protein forms D894V, D671V, D918V.
Identifiers: ClinVar variation 3791138 (VCV003791138.1).
Genomic context (GRCh38, chr20:63,692,833, plus strand): 5'-CCCTGATGGAGCCTCGGGCCTGTGTCCTGCAGGAGGAGCCCGTGGCTGGTGCACAGACGG[A>T]CAGGGCCAAGCTCTTCATGGTGGCCGTGAAGCAGGAGTTGAGCCAAGCCAACTTTGCCAC-3'
Protein context (NP_001269938.1, residues 884-904): PEEPVAGAQT[Asp894Val]RAKLFMVAVK